The following is an entry in ClinVar:

ClinVar aggregate classification (germline): Likely benign. Review status: criteria provided, multiple submitters, no conflicts (2 of 4 stars). 2 submissions from 2 submitters: Likely benign (2). Last evaluated 2024-10-06.

Conditions:
Glycogen storage disease IXa1. Also called: GLYCOGEN STORAGE DISEASE VIII; GSD VIII; LIVER GLYCOGENOSIS, X-LINKED, TYPE I; Glycogen storage disease 8. Identifiers: Orphanet 264580, MedGen C3694531, MONDO:0010598, OMIM 306000.

Allele frequency attached by ClinVar (database versions not stated): gnomAD exomes 0.00002 and 0.00004; ExAC 0.00003; gnomAD 0.00004 and 0.00005; TOPMed 0.00005; ESP Exome Variant Server 0.00009.
gnomAD v4.1: 43 of 1,202,335 alleles (0.0036%); highest among the groups gnomAD compares: Admixed American, 0.0044%; no homozygotes.

Submissions (2):

Labcorp Genetics (formerly Invitae), Labcorp
Classification: Likely benign for Glycogen storage disease IXa1. Last evaluated: 2024-10-06. Review status: criteria provided, single submitter. Criteria: Invitae Variant Classification Sherloc (09022015). Collection method: clinical testing. Allele origin: germline.

GeneDx
Classification: Likely benign. Last evaluated: 2018-06-01. Review status: criteria provided, single submitter. Criteria: GeneDx Variant Classification (06012015). Collection method: clinical testing. Allele origin: germline. Affected: yes.
Comment: This variant is considered likely benign or benign based on one or more of the following criteria: it is a conservative change, it occurs at a poorly conserved position in the protein, it is predicted to be benign by multiple in silico algorithms, and/or has population frequency not consistent with disease.

NM_000292.3(PHKA2):c.585G>A (p.Pro195=)

Gene: PHKA2 (phosphorylase kinase regulatory subunit alpha 2; minus strand). Cytogenetic location: Xp22.13.
Variant type: single nucleotide variant.
Coding change: c.585G>A on transcript NM_000292.3 (MANE Select); coding-DNA position 585, G replaced by A.
Protein change: p.Pro195=; no amino-acid change (proline 195 retained).
Molecular consequence: synonymous variant.
Genome position (GRCh38, 1-based): chrX:18,945,111, C>T on the plus strand (G>A on the coding strand, the complement: PHKA2 is on the minus strand). VCF-style: chrX-18945111-C-T. GRCh37 (hg19) VCF-style: chrX-18963229-C-T.
Identifiers: ClinVar variation 668496 (VCV000668496.3), dbSNP rs143424727, ClinGen allele CA10362082.